The following is an entry in ClinVar:

ClinVar aggregate classification (germline): Uncertain significance (1 of 4 stars; one submission).

Allele frequency attached by ClinVar (database versions not stated): TOPMed 0.00003; gnomAD 0.00005; gnomAD exomes 0.00007.
gnomAD v4.1: 107 of 1,614,098 alleles (0.0066%); highest among the groups gnomAD compares: Non-Finnish European, 0.0089%; no homozygotes.

Submission:

Labcorp Genetics (formerly Invitae), Labcorp
Classification: Uncertain significance. Last evaluated: 2022-03-27. Review status: criteria provided, single submitter. Criteria: Invitae Variant Classification Sherloc (09022015). Collection method: clinical testing. Allele origin: germline.
Comment: This sequence change replaces valine, which is neutral and non-polar, with methionine, which is neutral and non-polar, at codon 201 of the EIF2B5 protein (p.Val201Met). This variant is present in population databases (rs574694961, gnomAD 0.005%). This variant has not been reported in the literature in individuals affected with EIF2B5-related conditions. Advanced modeling of protein sequence and biophysical properties (such as structural, functional, and spatial information, amino acid conservation, physicochemical variation, residue mobility, and thermodynamic stability) performed at Invitae indicates that this missense variant is not expected to disrupt EIF2B5 protein function. Algorithms developed to predict the effect of sequence changes on RNA splicing suggest that this variant may create or strengthen a splice site. In summary, the available evidence is currently insufficient to determine the role of this variant in disease. Therefore, it has been classified as a Variant of Uncertain Significance.

NM_003907.3(EIF2B5):c.601G>A (p.Val201Met)

Gene: EIF2B5 (eukaryotic translation initiation factor 2B subunit epsilon; plus strand). Cytogenetic location: 3q27.1.
Variant type: single nucleotide variant.
Coding change: c.601G>A on transcript NM_003907.3 (MANE Select); coding-DNA position 601, G replaced by A.
Protein change: p.Val201Met; replaces valine 201 with methionine.
Molecular consequence: missense variant.
Genome position (GRCh38, 1-based): chr3:184,137,992, G>A. VCF-style: chr3-184137992-G-A. GRCh37 (hg19) VCF-style: chr3-183855780-G-A.
Other names: short protein forms V201M.
Identifiers: ClinVar variation 2174931 (VCV002174931.1), dbSNP rs574694961, ClinGen allele CA88840477.